The following is an entry in ClinVar:

ClinVar aggregate classification (germline): Likely benign. Review status: criteria provided, single submitter (1 of 4 stars). 2 submissions from 2 submitters: Likely benign (1). 1 of the submissions does not count toward it. Last evaluated 2025-05-25.

Conditions:
SERPINA1-related disorder. Also called: SerpinA1-related disorders; SERPINA1-related condition.
Alpha-1-antitrypsin deficiency (A1ATD). Also called: Alpha1-Antitrypsin Deficiency; AAT deficiency; A1AT deficiency. Identifiers: MONDO:0013282, OMIM 613490, Orphanet 60, MedGen C0221757.

Allele frequency attached by ClinVar (database versions not stated): ExAC 0.00003; gnomAD 0.00005 and 0.00007; TOPMed 0.00005; ESP Exome Variant Server 0.00008.
gnomAD v4.1: 35 of 1,614,030 alleles (0.0022%); highest among the groups gnomAD compares: African/African-American, 0.015%; no homozygotes.

Submissions (2):

Labcorp Genetics (formerly Invitae), Labcorp
Classification: Likely benign for Alpha-1-antitrypsin deficiency. Last evaluated: 2025-05-25. Review status: criteria provided, single submitter. Criteria: Invitae Variant Classification Sherloc (09022015). Collection method: clinical testing. Allele origin: germline.

PreventionGenetics, part of Exact Sciences
Classification: Likely benign for SERPINA1-related condition. Last evaluated: 2021-07-21. Review status: no assertion criteria provided. Collection method: clinical testing. Allele origin: germline. Not counted in ClinVar's aggregate classification.
Comment: This variant is classified as likely benign based on ACMG/AMP sequence variant interpretation guidelines (Richards et al. 2015 PMID: 25741868, with internal and published modifications).

NM_000295.5(SERPINA1):c.918-5G>A

Gene: SERPINA1 (serpin family A member 1; minus strand). Cytogenetic location: 14q32.13.
Variant type: single nucleotide variant.
Coding change: c.918-5G>A on transcript NM_000295.5 (MANE Select); 5 bases into the intron before coding-DNA position 918, G replaced by A.
Molecular consequence: intron variant.
Genome position (GRCh38, 1-based): chr14:94,379,616, C>T on the plus strand (G>A on the coding strand, the complement: SERPINA1 is on the minus strand). VCF-style: chr14-94379616-C-T. GRCh37 (hg19) VCF-style: chr14-94845953-C-T.
Other names: c.918-5G>A (NM_001002235.3, NM_001127707.2, NM_001127706.2 and 7 more transcripts).
Identifiers: ClinVar variation 702138 (VCV000702138.12), dbSNP rs375378877, ClinGen allele CA7327354.
Genomic context (GRCh38, chr14:94,379,616, plus strand): 5'-TCTTCAGATCATAGGTTCCAGTAATGGACAGTTTGGGTAAATGTAAGCTGGCAGACCTGT[C>T]GTGCAGAAAAGAAATTCAAGGCATGGCACAGCATTCCTCTTGTTCTTCTGGGACCCACCA-3'